The following is an entry in ClinVar:

NM_003361.4(UMOD):c.949T>G (p.Cys317Gly)

Gene: UMOD (uromodulin; minus strand). Cytogenetic location: 16p12.3.
Variant type: single nucleotide variant.
Coding change: c.949T>G on transcript NM_003361.4 (MANE Select); coding-DNA position 949, T replaced by G.
Protein change: p.Cys317Gly; replaces cysteine 317 with glycine.
Molecular consequence: missense variant. On other transcripts: non-coding transcript variant (1).
Genome position (GRCh38, 1-based): chr16:20,348,247, A>C on the plus strand (T>G on the coding strand, the complement: UMOD is on the minus strand). VCF-style: chr16-20348247-A-C. GRCh37 (hg19) VCF-style: chr16-20359569-A-C.
Other names: c.949T>G, p.Cys317Gly (NM_001008389.3, NM_001378232.1, NM_001378233.1 and 3 more transcripts); c.1048T>G, p.Cys350Gly (NM_001278614.2); short protein forms C317G, C350G.
Identifiers: ClinVar variation 446167 (VCV000446167.5), dbSNP rs1555487316, ClinGen allele CA394983698.

ClinVar aggregate classification (germline): Pathogenic/Likely pathogenic. Review status: criteria provided, multiple submitters, no conflicts (2 of 4 stars). 2 submissions from 2 submitters: Pathogenic (1); Likely pathogenic (1). Last evaluated 2022-02-03.

Conditions:
Familial juvenile hyperuricemic nephropathy type 1 (ADTKD1). Also called: UMOD-Associated Kidney Disease; Uromodulin-associated kidney disease; Autosomal Dominant Tubulointerstitial Kidney Disease – UMOD; Glomerulocystic kidney disease with hyperuricemia and isosthenuria; Medullary cystic kidney disease 2. Identifiers: Orphanet 209886, Orphanet 34149, Orphanet 88950, MedGen C4551496, MONDO:0008073, OMIM 162000.

Submissions (2):

Fulgent Genetics
Classification: Pathogenic for Familial juvenile hyperuricemic nephropathy type 1. Last evaluated: 2022-02-03. Review status: criteria provided, single submitter. Criteria: ACMG Guidelines, 2015. Collection method: clinical testing. Allele origin: unknown.

Department of Medical Genetics, Sanjay Gandhi Post Graduate Institute of Medical Sciences
Classification: Likely pathogenic for Familial juvenile hyperuricemic nephropathy type 1. Last evaluated: 2015-02-03. Review status: criteria provided, single submitter. Criteria: ACMG Guidelines, 2015. Collection method: clinical testing. Allele origin: de novo. Inheritance: Autosomal dominant inheritance. Affected: yes. Observed: 1 variant allele, 1 heterozygote.
Comment: The affected residue locates within the cysteineâ€‘rich 2 domain and is immediately preceded by a highly conserved cysteine residue. Various bioinformatics tools such as mutation taster, PolyPhen and Sorting Intolerant from Tolerant also predicted it to be pathogenic. This amino acid residue is conserved across other animal species. Based on the above evidence, we concluded that this novel variant is very likely the causal pathogenic mutation.

Literature cited by the submitters: PubMed 27795632 (cited by Department of Medical Genetics, Sanjay Gandhi Post Graduate Institute of Medical Sciences).